The following is an entry in ClinVar:

NM_001807.6(CEL):c.860C>T (p.Thr287Met)

Gene: CEL (carboxyl ester lipase; plus strand). Cytogenetic location: 9q34.13.
Variant type: single nucleotide variant.
Coding change: c.860C>T on transcript NM_001807.6 (MANE Select); coding-DNA position 860, C replaced by T.
Protein change: p.Thr287Met; replaces threonine 287 with methionine.
Molecular consequence: missense variant.
Genome position (GRCh38, 1-based): chr9:133,067,170, C>T. VCF-style: chr9-133067170-C-T. GRCh37 (hg19) VCF-style: chr9-135942557-C-T.
Other names: c.869C>T (NM_001807.3); short protein forms T287M.
Identifiers: ClinVar variation 393420 (VCV000393420.2), dbSNP rs773990119, ClinGen allele CA5303180.

ClinVar aggregate classification (germline): Uncertain significance. Review status: criteria provided, multiple submitters, no conflicts (2 of 4 stars). 2 submissions from 2 submitters: Uncertain significance (2). Last evaluated 2021-10-12.

Conditions:
Monogenic diabetes. Identifiers: Orphanet 183625, MedGen C3888631, MONDO:0015967.
Inborn genetic diseases. Identifiers: MedGen C0950123, MeSH D030342.

Allele frequency attached by ClinVar (database versions not stated): gnomAD exomes 0.00001 and 0.00002; ExAC 0.00003; gnomAD 0.00006; TOPMed 0.00006.
gnomAD v4.1: 30 of 1,613,912 alleles (0.0019%); highest among the groups gnomAD compares: African/African-American, 0.019%; 1 homozygote.

Submissions (2):

Ambry Genetics
Classification: Uncertain significance for Inborn genetic diseases. Last evaluated: 2021-10-12. Review status: criteria provided, single submitter. Criteria: Ambry Variant Classification Scheme 2023. Collection method: clinical testing. Allele origin: germline.

Personalized Diabetes Medicine Program, University of Maryland School of Medicine
Classification: Uncertain significance for Monogenic diabetes. Last evaluated: 2015-10-27. Review status: criteria provided, single submitter. Criteria: ACMG Guidelines, 2015. Collection method: research. Allele origin: unknown. Observed: 1 variant allele, 1 heterozygote.
Comment: ACMG Criteria: PP3, BP4